The following is an entry in ClinVar:

ClinVar aggregate classification (germline): Uncertain significance (1 of 4 stars; one submission).

Submission:

GeneDx
Classification: Uncertain significance. Last evaluated: 2023-09-05. Review status: criteria provided, single submitter. Criteria: GeneDx Variant Classification Process June 2021. Collection method: clinical testing. Allele origin: germline. Affected: yes.
Comment: Not observed at significant frequency in large population cohorts (gnomAD); In silico analysis supports that this missense variant does not alter protein structure/function; Has not been previously published as pathogenic or benign to our knowledge

NM_004519.4(KCNQ3):c.1468G>A (p.Ala490Thr)

Gene: KCNQ3 (potassium voltage-gated channel subfamily Q member 3; minus strand). Cytogenetic location: 8q24.22.
Variant type: single nucleotide variant.
Coding change: c.1468G>A on transcript NM_004519.4 (MANE Select); coding-DNA position 1468, G replaced by A.
Protein change: p.Ala490Thr; replaces alanine 490 with threonine.
Molecular consequence: missense variant.
Genome position (GRCh38, 1-based): chr8:132,140,176, C>T on the plus strand (G>A on the coding strand, the complement: KCNQ3 is on the minus strand). VCF-style: chr8-132140176-C-T. GRCh37 (hg19) VCF-style: chr8-133152423-C-T.
Other names: c.1108G>A, p.Ala370Thr (NM_001204824.2); short protein forms A370T, A490T.
Identifiers: ClinVar variation 2579528 (VCV002579528.1), dbSNP rs2536879542, ClinGen allele CA372219772.
Genomic context (GRCh38, chr8:132,140,176, plus strand): 5'-CTTCGATGGGGAAGTCATTCCCATAGCCCCTGTCTTCCGCCATGGGGTCACCTGTCCCGG[C>T]ATCTGGGAGGGAGACACACATATGAACGGCAGGCCACAGACCTGGAAAAGGCTTGGGGAC-3'
Protein context (NP_004510.1, residues 480-500): AYAFWQSSED[Ala490Thr]GTGDPMAEDR